The following is an entry in ClinVar:

ClinVar aggregate classification (germline): Uncertain significance (1 of 4 stars; one submission).

Submission:

Ambry Genetics
Classification: Uncertain significance. Last evaluated: 2024-12-20. Review status: criteria provided, single submitter. Criteria: Ambry Variant Classification Scheme 2023. Collection method: clinical testing. Allele origin: germline.
Comment: The p.G198R variant (also known as c.592G>A), located in coding exon 3 of the GFI1 gene, results from a G to A substitution at nucleotide position 592. The glycine at codon 198 is replaced by arginine, an amino acid with dissimilar properties. This amino acid position is conserved. In addition, this alteration is predicted to be tolerated by in silico analysis. Based on the available evidence, the clinical significance of this variant remains unclear.

NM_005263.5(GFI1):c.592G>A (p.Gly198Arg)

Gene: GFI1 (growth factor independent 1 transcriptional repressor; minus strand). Cytogenetic location: 1p22.1.
Variant type: single nucleotide variant.
Coding change: c.592G>A on transcript NM_005263.5 (MANE Select); coding-DNA position 592, G replaced by A.
Protein change: p.Gly198Arg; replaces glycine 198 with arginine.
Molecular consequence: missense variant.
Genome position (GRCh38, 1-based): chr1:92,480,795, C>T on the plus strand (G>A on the coding strand, the complement: GFI1 is on the minus strand). VCF-style: chr1-92480795-C-T. GRCh37 (hg19) VCF-style: chr1-92946352-C-T.
Other names: c.592G>A, p.Gly198Arg (NM_001127215.3, NM_001127216.3); short protein forms G198R.
Identifiers: ClinVar variation 3853662 (VCV003853662.1).